The following is an entry in ClinVar:

NM_004655.4(AXIN2):c.1467C>T (p.Pro489=)

Gene: AXIN2 (axin 2; minus strand). Cytogenetic location: 17q24.1.
Variant type: single nucleotide variant.
Coding change: c.1467C>T on transcript NM_004655.4 (MANE Select); coding-DNA position 1467, C replaced by T.
Protein change: p.Pro489=; no amino-acid change (proline 489 retained).
Molecular consequence: synonymous variant.
Genome position (GRCh38, 1-based): chr17:65,537,569, G>A on the plus strand (C>T on the coding strand, the complement: AXIN2 is on the minus strand). VCF-style: chr17-65537569-G-A. GRCh37 (hg19) VCF-style: chr17-63533687-G-A.
Other names: c.1467C>T, p.Pro489= (NM_001363813.1).
Identifiers: ClinVar variation 760560 (VCV000760560.13), dbSNP rs1199756577, ClinGen allele CA501691576.
Genomic context (GRCh38, chr17:65,537,569, plus strand): 5'-CTGCTTGGTCACAAAGCCTTTGCCCCCGAGGAGGGGGCAGGCGCCCGGCGAGGCGGCCGC[G>A]GGAGGCAGCTTGCCACCGGGCGGGAGCAGGGAGTGGTACTGCGAATGGTGGTGGTGGTGG-3'
Protein context (NP_004646.3, residues 479-499): SLLPPGGKLP[Pro489=]AAASPGACPL

ClinVar aggregate classification (germline): Benign/Likely benign. Review status: criteria provided, multiple submitters, no conflicts (2 of 4 stars). 3 submissions from 3 submitters: Benign (1); Likely benign (2). Last evaluated 2024-07-03.

Conditions:
Hereditary cancer-predisposing syndrome. Also called: Tumor predisposition; Neoplastic Syndromes, Hereditary; Hereditary Cancer Syndrome; Hereditary neoplastic syndrome. Identifiers: Orphanet 140162, MedGen C0027672, MeSH D009386, MONDO:0015356.
Oligodontia-cancer predisposition syndrome. Also called: TOOTH AGENESIS-COLORECTAL CANCER SYNDROME. Identifiers: Orphanet 300576, MedGen C1837750, MONDO:0012075, OMIM 608615. Disease mechanism: loss of function.

Allele frequency attached by ClinVar (database versions not stated): TOPMed below 0.00001; gnomAD 0.00001.
gnomAD v4.1: 5 of 1,610,236 alleles (0.00031%); highest among the groups gnomAD compares: African/African-American, 0.0027%; no homozygotes.

Submissions (3):

Myriad Genetics, Inc.
Classification: Benign for Oligodontia-cancer predisposition syndrome. Last evaluated: 2024-07-03. Review status: criteria provided, single submitter. Criteria: Myriad Autosomal Dominant, Autosomal Recessive and X-Linked Classification Criteria (2023). Collection method: clinical testing. Allele origin: unknown.
Comment: This variant is considered benign. This variant is a silent/synonymous amino acid change and it is not expected to impact splicing.

Labcorp Genetics (formerly Invitae), Labcorp
Classification: Likely benign for Oligodontia-cancer predisposition syndrome. Last evaluated: 2024-06-18. Review status: criteria provided, single submitter. Criteria: Invitae Variant Classification Sherloc (09022015). Collection method: clinical testing. Allele origin: germline.

Ambry Genetics
Classification: Likely benign for Hereditary cancer-predisposing syndrome. Last evaluated: 2022-02-12. Review status: criteria provided, single submitter. Criteria: Ambry Variant Classification Scheme 2023. Collection method: clinical testing. Allele origin: germline.